The following is an entry in ClinVar:

ClinVar aggregate classification (germline): Likely benign (1 of 4 stars; one submission).

Submission:

CeGaT Center for Human Genetics Tuebingen
Classification: Likely benign. Last evaluated: 2026-09-01. Review status: criteria provided, single submitter. Criteria: CeGaT Center For Human Genetics Tuebingen Variant Classification Criteria Version 2. Collection method: clinical testing. Allele origin: germline. Affected: yes. Observed: 4 variant alleles.
Comment: EHMT1: BS1

NM_024757.5(EHMT1):c.1792-27_1792-26del

Gene: EHMT1 (euchromatic histone lysine methyltransferase 1; plus strand). Cytogenetic location: 9q34.3.
Variant type: Deletion.
Coding change: c.1792-27_1792-26del on transcript NM_024757.5 (MANE Select); 27 bases into the intron before coding-DNA position 1792 through 26 bases into the intron before coding-DNA position 1792, 2 bases deleted (AA; older notation c.1792-27_1792-26delAA).
Molecular consequence: intron variant.
Genome position (GRCh38, 1-based): chr9:137,776,591-137,776,592, AA deleted; deleting any 2 consecutive bases within chr9:137,776,588-137,776,592 gives the same sequence; the c. name uses the placement nearest the transcript's 3' end. VCF-style (leftmost placement, unchanged base first): chr9-137776587-CAA-C. GRCh37 (hg19) VCF-style: chr9-140671039-CAA-C.
Other names: c.1771-27_1771-26del (NM_001354263.2); c.1699-27_1699-26del (NM_001354259.2); c.1792-27_1792-26del (NM_001145527.2).
Identifiers: ClinVar variation 2659837 (VCV002659837.24), dbSNP rs559265051, ClinGen allele CA5374735.